The following is an entry in ClinVar:

ClinVar aggregate classification (germline): Uncertain significance (1 of 4 stars; one submission).

Submission:

Labcorp Genetics (formerly Invitae), Labcorp
Classification: Uncertain significance. Last evaluated: 2024-12-03. Review status: criteria provided, single submitter. Criteria: Invitae Variant Classification Sherloc (09022015). Collection method: clinical testing. Allele origin: germline.
Comment: This variant, c.2236_2265dup, results in the insertion of 10 amino acid(s) of the SON protein (p.Asn749_Ser758dup), but otherwise preserves the integrity of the reading frame. This variant is present in population databases (no rsID available, gnomAD 0.01%). This variant has not been reported in the literature in individuals affected with SON-related conditions. ClinVar contains an entry for this variant (Variation ID: 2986131). In summary, the available evidence is currently insufficient to determine the role of this variant in disease. Therefore, it has been classified as a Variant of Uncertain Significance.

NM_138927.4(SON):c.2236_2265dup (p.Ser758_Ser759insAsnThrMetAspSerGlnMetLeuAlaSer)

Gene: SON (SON DNA and RNA binding protein; plus strand). Cytogenetic location: 21q22.11.
Variant type: Duplication.
Coding change: c.2236_2265dup on transcript NM_138927.4 (MANE Select); coding-DNA positions 2236 to 2265, 30 bases duplicated (CTAGCATCCAACACCATGGACTCCCAGATG).
Protein change: p.Ser758_Ser759insAsnThrMetAspSerGlnMetLeuAlaSer.
Molecular consequence: inframe insertion. On other transcripts: inframe indel (3), non-coding transcript variant (1), intron variant (1).
Genome position (GRCh38, 1-based): chr21:33,551,467-33,551,496, CTAGCATCCAACACCATGGACTCCCAGATG duplicated; duplicating any 30 consecutive bases within chr21:33,551,443-33,551,496 gives the same sequence; the c. name uses the placement nearest the transcript's 3' end. VCF-style (leftmost placement, unchanged base first): chr21-33551442-G-GTCCAACACCATGGACTCCCAGATGCTAGCA. GRCh37 (hg19) VCF-style: chr21-34923748-G-GTCCAACACCATGGACTCCCAGATGCTAGCA.
Other names: c.2236_2265dup, p.Ser758_Ser759insAsnThrMetAspSerGlnMetLeuAlaSer (NM_001291411.2, NM_001412133.1, NM_032195.3 and 2 more transcripts); c.244+5088_244+5117dup (NM_001291412.3).
Identifiers: ClinVar variation 2986131 (VCV002986131.3), dbSNP rs766202801, ClinGen allele CA638053211.